The following is an entry in ClinVar:

NM_014112.5(TRPS1):c.1402del (p.Tyr468fs)

Gene: TRPS1 (transcriptional repressor GATA binding 1; minus strand). Cytogenetic location: 8q23.3.
Variant type: Deletion.
Coding change: c.1402del on transcript NM_014112.5 (MANE Select); coding-DNA position 1402, one base deleted (T; older notation c.1402delT).
Protein change: p.Tyr468fs; shifts the reading frame from tyrosine 468.
Molecular consequence: frameshift variant.
Genome position (GRCh38, 1-based): chr8:115,604,567, A deleted on the plus strand (T on the coding strand, the reverse complement: TRPS1 is on the minus strand); the first of 2 consecutive A bases (chr8:115,604,567-115,604,568); deleting either gives the same sequence. VCF-style (leftmost placement, unchanged base first): chr8-115604566-TA-T. GRCh37 (hg19) VCF-style: chr8-116616793-TA-T.
Other names: c.1375del, p.Tyr459fs (NM_001282902.3); c.1381del, p.Tyr461fs (NM_001282903.3); c.1363del, p.Tyr455fs (NM_001330599.2); short protein forms Y459fs, Y455fs, Y461fs, Y468fs.
Identifiers: ClinVar variation 1364143 (VCV001364143.6), dbSNP rs2130493020, ClinGen allele CA2573142812.

ClinVar aggregate classification (germline): Pathogenic (1 of 4 stars; one submission).

Conditions:
Trichorhinophalangeal syndrome, type III (TRPS3). Also called: SUGIO-KAJII SYNDROME. Identifiers: Orphanet 77258, MedGen C1860823, OMIM 190351, MONDO:0008597.
Trichorhinophalangeal dysplasia type I (TRPS1). Also called: TRPS I; TRICHORHINOPHALANGEAL SYNDROME, TYPE I. Identifiers: Orphanet 77258, MedGen C0432233, MONDO:0008596, OMIM 190350.

Submission:

Labcorp Genetics (formerly Invitae), Labcorp
Classification: Pathogenic for Trichorhinophalangeal syndrome, type III; Trichorhinophalangeal dysplasia type I. Last evaluated: 2021-09-09. Review status: criteria provided, single submitter. Criteria: Invitae Variant Classification Sherloc (09022015). Collection method: clinical testing. Allele origin: germline.
Comment: For these reasons, this variant has been classified as Pathogenic. This variant has not been reported in the literature in individuals affected with TRPS1-related conditions. This sequence change creates a premature translational stop signal (p.Tyr468Metfs*17) in the TRPS1 gene. It is expected to result in an absent or disrupted protein product. Loss-of-function variants in TRPS1 are known to be pathogenic (PMID: 11112658). This variant is not present in population databases (ExAC no frequency).

Literature cited by the submitters: PubMed 11112658.